The following is an entry in ClinVar:

NC_000011.9:g.(?_72145398)_(72150823_?)del

Gene: CLPB (ClpB family mitochondrial disaggregase; minus strand). Cytogenetic location: 11q13.4.
Variant type: Deletion.
Identifiers: ClinVar variation 2426951 (VCV002426951.7).

ClinVar aggregate classification (germline): Pathogenic (1 of 4 stars; one submission).

Conditions:
3-methylglutaconic aciduria, type VIIB (MGCA7B). Also called: 3-methylglutaconic aciduria with cataracts, neurologic involvement and neutropenia; CLPB Deficiency; 3-methylglutaconic aciduria, type VII, with cataracts, neurologic involvement and neutropenia. Identifiers: Orphanet 445038, MedGen C5676893, MONDO:0014561, OMIM 616271.

Submission:

Labcorp Genetics (formerly Invitae), Labcorp
Classification: Pathogenic for 3-methylglutaconic aciduria, type VIIB. Last evaluated: 2022-08-19. Review status: criteria provided, single submitter. Criteria: Invitae Variant Classification Sherloc (09022015). Collection method: clinical testing. Allele origin: germline.
Comment: For these reasons, this variant has been classified as Pathogenic. This variant has not been reported in the literature in individuals affected with CLPB-related conditions. This variant results in the deletion of part of exon 1 (c.-5305_120del) of the CLPB gene. It is expected to result in an absent or disrupted protein product. Loss-of-function variants in CLPB are known to be pathogenic (PMID: 25597510, 28687938).

Literature cited by the submitters: PubMed 25597510; PubMed 28687938.